The following is an entry in ClinVar:

ClinVar aggregate classification (germline): Pathogenic (1 of 4 stars; one submission).

Submission:

Athena Diagnostics
Classification: Pathogenic. Last evaluated: 2023-11-01. Review status: criteria provided, single submitter. Criteria: Athena Diagnostics Criteria. Collection method: clinical testing. Allele origin: unknown.
Comment: This variant is expected to result in the loss of a functional protein. This variant has not been reported in large, multi-ethnic general populations. This variant has been identified in at least one individual tested at Athena Diagnostics with clinical features associated with this gene.

NM_182961.4(SYNE1):c.9998_9999del (p.Lys3333fs)

Gene: SYNE1 (spectrin repeat containing nuclear envelope protein 1; minus strand). Cytogenetic location: 6q25.2.
Variant type: Deletion.
Coding change: c.9998_9999del on transcript NM_182961.4 (MANE Select); coding-DNA positions 9998 to 9999, 2 bases deleted (AA; older notation c.9998_9999delAA).
Protein change: p.Lys3333fs; shifts the reading frame from lysine 3333.
Molecular consequence: frameshift variant.
Genome position (GRCh38, 1-based): chr6:152,364,993-152,364,994, TT deleted on the plus strand (AA on the coding strand, the reverse complement: SYNE1 is on the minus strand); deleting any 2 consecutive bases within chr6:152,364,993-152,364,997 gives the same sequence; the c. name uses the placement nearest the transcript's 3' end. VCF-style (leftmost placement, unchanged base first): chr6-152364992-CTT-C. GRCh37 (hg19) VCF-style: chr6-152686127-CTT-C.
Other names: c.10019_10020del, p.Lys3340fs (NM_033071.5); short protein forms K3333fs, K3340fs.
Identifiers: ClinVar variation 3571892 (VCV003571892.1).